The following is an entry in ClinVar:

NM_174936.4(PCSK9):c.1404A>G (p.Thr468=)

Gene: PCSK9 (proprotein convertase subtilisin/kexin type 9; plus strand). Cytogenetic location: 1p32.3.
Variant type: single nucleotide variant.
Coding change: c.1404A>G on transcript NM_174936.4 (MANE Select); coding-DNA position 1404, A replaced by G.
Protein change: p.Thr468=; no amino-acid change (threonine 468 retained).
Molecular consequence: synonymous variant. On other transcripts: non-coding transcript variant (8), intron variant (1).
Genome position (GRCh38, 1-based): chr1:55,058,548, A>G. VCF-style: chr1-55058548-A-G. GRCh37 (hg19) VCF-style: chr1-55524221-A-G.
Other names: c.1527A>G, p.Thr509= (NM_001407240.1); c.1404A>G, p.Thr468= (NM_001407241.1); c.1407A>G, p.Thr469= (NM_001407242.1); c.1347A>G, p.Thr449= (NM_001407243.1); c.1230A>G, p.Thr410= (NM_001407244.1); c.1212A>G, p.Thr404= (NM_001407245.1); c.1029A>G, p.Thr343= (NM_001407246.1); c.1180+1034A>G (NM_001407247.1).
Identifiers: ClinVar variation 920291 (VCV000920291.15), dbSNP rs1378159870, ClinGen allele CA417960284.

ClinVar aggregate classification (germline): Likely benign. Review status: criteria provided, multiple submitters, no conflicts (2 of 4 stars). 4 submissions from 4 submitters: Likely benign (4). Last evaluated 2025-07-03.

Conditions:
Cardiovascular phenotype. Identifiers: MedGen CN230736.
Familial hypercholesterolemia. Also called: Familial hypercholesterolemias; Familial hypercholesterolaemia. Identifiers: MedGen C0020445, MONDO:0005439.
Hypercholesterolemia, autosomal dominant, 3 (FHCL3). Also called: Familial hypercholesterolemia 3; Familial Hypercholesterolemia, Autosomal Dominant, 3; PCSK9-Related Familial Hypercholesterolemia, Autosomal Dominant. Identifiers: MedGen C1863551, MONDO:0011369, OMIM 603776.

Allele frequency attached by ClinVar (database versions not stated): gnomAD exomes 0.00001; TOPMed 0.00001.
gnomAD v4.1: 3 of 1,612,158 alleles (0.00019%); highest among the groups gnomAD compares: South Asian, 0.0011%; no homozygotes.

Submissions (4):

Labcorp Genetics (formerly Invitae), Labcorp
Classification: Likely benign for Hypercholesterolemia, autosomal dominant, 3. Last evaluated: 2025-07-03. Review status: criteria provided, single submitter. Criteria: Invitae Variant Classification Sherloc (09022015). Collection method: clinical testing. Allele origin: germline.

All of Us Research Program, National Institutes of Health
Classification: Likely benign for Hypercholesterolemia, autosomal dominant, 3. Last evaluated: 2024-02-05. Review status: criteria provided, single submitter. Criteria: ACMG Guidelines, 2015. Collection method: clinical testing. Allele origin: germline. Inheritance: Autosomal dominant inheritance. Observed: 4 variant alleles, 4 heterozygotes.
Comment: This study involves interpretation of variants in research participants for the purpose of population health screening. Participant phenotype was not available at the time of variant classification. Additional details can be found in publication PMID: 35346344, PMCID: PMC8962531

Ambry Genetics
Classification: Likely benign for Cardiovascular phenotype. Last evaluated: 2020-02-08. Review status: criteria provided, single submitter. Criteria: Ambry Variant Classification Scheme 2023. Collection method: clinical testing. Allele origin: germline.

Color Diagnostics, LLC DBA Color Health
Classification: Likely benign for Familial hypercholesterolemia. Last evaluated: 2019-06-30. Review status: criteria provided, single submitter. Criteria: ACMG Guidelines, 2015. Collection method: clinical testing. Allele origin: germline.